The following is an entry in ClinVar:

ClinVar aggregate classification (germline): Likely benign. Review status: criteria provided, multiple submitters, no conflicts (2 of 4 stars). 2 submissions from 2 submitters: Likely benign (2). Last evaluated 2025-03-11.

Conditions:
SNRNP200-related disorder. Also called: SNRNP200-related condition.

Allele frequency attached by ClinVar (database versions not stated): gnomAD 0.00001; gnomAD exomes 0.00001 and 0.00003; TOPMed 0.00001; ExAC 0.00002.
gnomAD v4.1: 42 of 1,613,948 alleles (0.0026%); highest among the groups gnomAD compares: Non-Finnish European, 0.0035%; no homozygotes.

Submissions (2):

PreventionGenetics, part of Exact Sciences
Classification: Likely benign for SNRNP200-related condition. Last evaluated: 2025-03-11. Review status: criteria provided, single submitter. Criteria: ACMG Guidelines, 2015. Collection method: clinical testing. Allele origin: germline.
Comment: This variant is classified as likely benign based on ACMG/AMP sequence variant interpretation guidelines (Richards et al. 2015 PMID: 25741868, with internal and published modifications).

Labcorp Genetics (formerly Invitae), Labcorp
Classification: Likely benign. Last evaluated: 2024-11-19. Review status: criteria provided, single submitter. Criteria: Invitae Variant Classification Sherloc (09022015). Collection method: clinical testing. Allele origin: germline.

NM_014014.5(SNRNP200):c.2422-10G>T

Gene: SNRNP200 (small nuclear ribonucleoprotein U5 subunit 200; minus strand). Cytogenetic location: 2q11.2.
Variant type: single nucleotide variant.
Coding change: c.2422-10G>T on transcript NM_014014.5 (MANE Select); 10 bases into the intron before coding-DNA position 2422, G replaced by T.
Molecular consequence: intron variant.
Genome position (GRCh38, 1-based): chr2:96,290,825, C>A on the plus strand (G>T on the coding strand, the complement: SNRNP200 is on the minus strand). VCF-style: chr2-96290825-C-A. GRCh37 (hg19) VCF-style: chr2-96956563-C-A.
Other names: c.2422-10G>T (NM_014014.4).
Identifiers: ClinVar variation 1674140 (VCV001674140.9), dbSNP rs760188260, ClinGen allele CA1778691.